The following is an entry in ClinVar:

ClinVar aggregate classification (germline): Likely benign. Review status: criteria provided, multiple submitters, no conflicts (2 of 4 stars). 2 submissions from 2 submitters: Likely benign (2). Last evaluated 2025-09-04.

Conditions:
Hypokalemic periodic paralysis, type 1. Also called: Hypokalemic Periodic Paralysis Type 1 (AD); HypoPP. Identifiers: Orphanet 681, MedGen C3714580, MONDO:0042979, OMIM 170400.
Malignant hyperthermia, susceptibility to, 5 (MHS5). Also called: CACNA1S-Related Malignant Hyperthermia Susceptibility. Identifiers: Orphanet 423, MedGen C1866077, MONDO:0011163, OMIM 601887.

Allele frequency attached by ClinVar (database versions not stated): gnomAD exomes 0.00001.
gnomAD v4.1: 11 of 1,614,126 alleles (0.00068%); highest among the groups gnomAD compares: Non-Finnish European, 0.00093%; no homozygotes.

Submissions (2):

Mayo Clinic Laboratories, Mayo Clinic
Classification: Likely benign. Last evaluated: 2025-09-04. Review status: criteria provided, single submitter. Criteria: ACMG Guidelines, 2015. Collection method: clinical testing. Allele origin: germline. Observed: 1 variant allele.
Comment: BP4, BP7

Labcorp Genetics (formerly Invitae), Labcorp
Classification: Likely benign for Hypokalemic periodic paralysis, type 1; Malignant hyperthermia, susceptibility to, 5. Last evaluated: 2023-10-09. Review status: criteria provided, single submitter. Criteria: Invitae Variant Classification Sherloc (09022015). Collection method: clinical testing. Allele origin: germline.

NM_000069.3(CACNA1S):c.3720C>G (p.Val1240=)

Gene: CACNA1S (calcium voltage-gated channel subunit alpha1 S; minus strand). Cytogenetic location: 1q32.1.
Variant type: single nucleotide variant.
Coding change: c.3720C>G on transcript NM_000069.3 (MANE Select); coding-DNA position 3720, C replaced by G.
Protein change: p.Val1240=; no amino-acid change (valine 1240 retained).
Molecular consequence: synonymous variant.
Genome position (GRCh38, 1-based): chr1:201,053,534, G>C on the plus strand (C>G on the coding strand, the complement: CACNA1S is on the minus strand). VCF-style: chr1-201053534-G-C. GRCh37 (hg19) VCF-style: chr1-201022662-G-C.
Other names: p.Val1240=.
Identifiers: ClinVar variation 2047380 (VCV002047380.5), dbSNP rs1293933730, ClinGen allele CA422719604.